The following is an entry in ClinVar:

NM_000400.4(ERCC2):c.1706T>C (p.Ile569Thr)

Gene: ERCC2 (ERCC excision repair 2, TFIIH core complex helicase subunit; minus strand). Cytogenetic location: 19q13.32.
Variant type: single nucleotide variant.
Coding change: c.1706T>C on transcript NM_000400.4 (MANE Select); coding-DNA position 1706, T replaced by C.
Protein change: p.Ile569Thr; replaces isoleucine 569 with threonine.
Molecular consequence: missense variant.
Genome position (GRCh38, 1-based): chr19:45,353,294, A>G on the plus strand (T>C on the coding strand, the complement: ERCC2 is on the minus strand). VCF-style: chr19-45353294-A-G. GRCh37 (hg19) VCF-style: chr19-45856552-A-G.
Other names: short protein forms I569T.
Identifiers: ClinVar variation 3509883 (VCV003509883.1).

ClinVar aggregate classification (germline): Uncertain significance (1 of 4 stars; one submission).

Conditions:
Inborn genetic diseases. Identifiers: MedGen C0950123, MeSH D030342.

gnomAD v4.1: 2 of 1,614,010 alleles (0.00012%); highest among the groups gnomAD compares: Non-Finnish European, 0.00017%; no homozygotes.

Submission:

Ambry Genetics
Classification: Uncertain significance for Inborn genetic diseases. Last evaluated: 2024-10-18. Review status: criteria provided, single submitter. Criteria: Ambry Variant Classification Scheme 2023. Collection method: clinical testing. Allele origin: germline.
Comment: The p.I569T variant (also known as c.1706T>C), located in coding exon 18 of the ERCC2 gene, results from a T to C substitution at nucleotide position 1706. The isoleucine at codon 569 is replaced by threonine, an amino acid with similar properties. This amino acid position is conserved. In addition, this alteration is predicted to be deleterious by in silico analysis. Based on the available evidence, the clinical significance of this variant remains unclear.